The following is an entry in ClinVar:

NM_003737.4(DCHS1):c.3455A>G (p.Lys1152Arg)

Gene: DCHS1 (dachsous cadherin-related 1; minus strand). Cytogenetic location: 11p15.4.
Variant type: single nucleotide variant.
Coding change: c.3455A>G on transcript NM_003737.4 (MANE Select); coding-DNA position 3455, A replaced by G.
Protein change: p.Lys1152Arg; replaces lysine 1152 with arginine.
Molecular consequence: missense variant.
Genome position (GRCh38, 1-based): chr11:6,632,057, T>C on the plus strand (A>G on the coding strand, the complement: DCHS1 is on the minus strand). VCF-style: chr11-6632057-T-C. GRCh37 (hg19) VCF-style: chr11-6653288-T-C.
Other names: c.3455A>G (NM_003737.2); short protein forms K1152R.
Identifiers: ClinVar variation 2507070 (VCV002507070.6), dbSNP rs139784308, ClinGen allele CA5860540.

ClinVar aggregate classification (germline): Uncertain significance. Review status: criteria provided, multiple submitters, no conflicts (2 of 4 stars). 3 submissions from 3 submitters: Uncertain significance (3). Last evaluated 2025-10-24.

Conditions:
Inborn genetic diseases. Identifiers: MedGen C0950123, MeSH D030342.

Allele frequency attached by ClinVar (database versions not stated): gnomAD 0.00022; ESP Exome Variant Server 0.00023; gnomAD exomes 0.00003; ExAC 0.00009; TOPMed 0.00028.
gnomAD v4.1: 72 of 1,524,038 alleles (0.0047%); highest among the groups gnomAD compares: African/African-American, 0.077%; no homozygotes.

Submissions (3):

Labcorp Genetics (formerly Invitae), Labcorp
Classification: Uncertain significance. Last evaluated: 2025-10-24. Review status: criteria provided, single submitter. Criteria: Invitae Variant Classification Sherloc (09022015). Collection method: clinical testing. Allele origin: germline.
Comment: This sequence change replaces lysine, which is basic and polar, with arginine, which is basic and polar, at codon 1152 of the DCHS1 protein (p.Lys1152Arg). This variant is present in population databases (rs139784308, gnomAD 0.07%). This variant has not been reported in the literature in individuals affected with DCHS1-related conditions. ClinVar contains an entry for this variant (Variation ID: 2507070). Invitae Evidence Modeling of protein sequence and biophysical properties (such as structural, functional, and spatial information, amino acid conservation, physicochemical variation, residue mobility, and thermodynamic stability) indicates that this missense variant is not expected to disrupt DCHS1 protein function with a negative predictive value of 80%. In summary, the available evidence is currently insufficient to determine the role of this variant in disease. Therefore, it has been classified as a Variant of Uncertain Significance.

Ambry Genetics
Classification: Uncertain significance for Inborn genetic diseases. Last evaluated: 2025-02-14. Review status: criteria provided, single submitter. Criteria: Ambry Variant Classification Scheme 2023. Collection method: clinical testing. Allele origin: germline.

GeneDx
Classification: Uncertain significance. Last evaluated: 2024-12-11. Review status: criteria provided, single submitter. Criteria: GeneDx Variant Classification Process June 2021. Collection method: clinical testing. Allele origin: germline. Affected: yes.
Comment: In silico analysis indicates that this missense variant does not alter protein structure/function; Has not been previously published as pathogenic or benign to our knowledge